The following continues an entry in ClinVar:

NM_000443.4(ABCB4):c.2800G>A (p.Ala934Thr)

Gene: ABCB4. ClinVar aggregate classification (germline): Conflicting classifications of pathogenicity. Likely pathogenic (1); Uncertain significance (17); Benign (1).

Submissions 9 to 20 of 20:

Clinical Genomics Laboratory, Washington University in St. Louis
Classification: Uncertain significance for Progressive familial intrahepatic cholestasis type 3. Last evaluated: 2025-03-15. Review status: criteria provided, single submitter. Criteria: ACMG Guidelines, 2015. Collection method: clinical testing. Allele origin: germline.
Comment: The ABCB4 c.2800G>A (p.Ala934Thr) variant has been reported in at least seven individuals affected with progressive familial intrahepatic cholestasis type 3 in both heterozygous and compound heterozygous states (Gordo-Gilart R et al., PMID: 26900700; Gordo-Gilart R et al., PMID: 26153658; Hakim A et al., PMID: 31000363; Hertel PM et al., PMID: 34016879; Lodschmidt ML et al., PMID: 26126923; Poipon R et al., PMID: 20537830; Rosmorduc O et al., PMID: 12891548). This variant has been reported in the ClinVar database as a likely pathogenic variant by two submitters, a variant of uncertain significance by 10 submitters, and a benign variant by one submitter (Variation ID: 281139). The highest population minor allele frequency in the population database Genome Aggregation Database (v.4.1) is 1.3% in the African population, which is higher than the incidence of progressive familial intrahepatic cholestasis type 3 (Siddiqi IA et al., PMID: 32644743). Computational predictors indicate that the variant is damaging, evidence that correlates with an impact on ABCB4 function. Functional studies show that the variant resulted in the retention of ABCB4 in the endoplasmic reticulum, thus failing to target the plasma membrane, indicating that this variant impacts protein function (Gordo-Gilart R et al., PMID: 26153658). Due to conflicting information, and based on ACMG/AMP guidelines for variant interpretation (Richards S et al., PMID: 25741868), the clinical significance of this variant is uncertain at this time.The ABCB4 c.3081+1G>C variant has been reported in one individual affected with Progressive Familial Intrahepatic Cholestasis Type 3, who was compound heterozygous for the variant and a variant of uncertain significance (Sticova E et al., PMID: 31728073). This variant has been reported in the ClinVar database as a pathogenic variant by one submitter (Variation ID: 497633). This variant occurs within the canonical splice donor site, which is predicted to cause skipping of the exon, leading to an out-of-frame transcript. This variant is absent from the general population (gnomAD v.4.1), indicating it is not a common variant. Based on available information and the ACMG/AMP guidelines for variant interpretation (Richards S et al., PMID: 25741868), this variant is classified as pathogenic.

Johns Hopkins Genomics, Johns Hopkins University
Classification: Uncertain significance for Progressive familial intrahepatic cholestasis type 3. Last evaluated: 2025-02-09. Review status: criteria provided, single submitter. Criteria: ACMG Guidelines, 2015. Collection method: clinical testing. Allele origin: germline.
Comment: This ABCB4 variant (rs61730509) has been identified in a large population dataset and reaches polymorphic frequency (>1%) within the African/African American subpopulation (gnomADv2.1.1: 338/24956 alleles; 1.4%, 1 homozygote). This variant has been reported in ClinVar by multiple submitters and has been previously identified in a homozygous or compound heterozygous state in individuals with ABCB4-related disorders. However, phase could not be verified in some participants. Two bioinformatic tools queried predict that this substitution would be damaging, and the alanine residue at this position is strongly conserved across the vertebrate species assessed. Published experimental studies using transiently transfected cells containing constructs expressing the A934T substitution displayed retention of ABCB4 protein in the endoplasmic reticulum. Bioinformatic analysis predicts that this missense variant would not affect normal exon 23 splicing, although this has not been confirmed experimentally to our knowledge. Due to insufficient evidence that this variant is deleterious, we consider the clinical significance of c.2800G>A to be uncertain at this time.

Labcorp Genetics (formerly Invitae), Labcorp
Classification: Uncertain significance. Last evaluated: 2024-11-21. Review status: criteria provided, single submitter. Criteria: Invitae Variant Classification Sherloc (09022015). Collection method: clinical testing. Allele origin: germline.
Comment: This sequence change replaces alanine, which is neutral and non-polar, with threonine, which is neutral and polar, at codon 934 of the ABCB4 protein (p.Ala934Thr). This variant is present in population databases (rs61730509, gnomAD 1.4%), including at least one homozygous and/or hemizygous individual. This missense change has been observed in individual(s) with clinical features of progressive familial intrahepatic cholestasis, intrahepatic cholestasis of pregnancy or low phospholipid associated cholelithiasis syndrome although a second variant is not observed in some of the individuals (PMID: 12891548, 18482588, 23533021, 26153658, 31000363, 35626323, 35922258). ClinVar contains an entry for this variant (Variation ID: 281139). Invitae Evidence Modeling of protein sequence and biophysical properties (such as structural, functional, and spatial information, amino acid conservation, physicochemical variation, residue mobility, and thermodynamic stability) indicates that this missense variant is not expected to disrupt ABCB4 protein function with a negative predictive value of 80%. Experimental studies are conflicting or provide insufficient evidence to determine the effect of this variant on ABCB4 function (PMID: 26153658, 26900700). In summary, the available evidence is currently insufficient to determine the role of this variant in disease. Therefore, it has been classified as a Variant of Uncertain Significance.

Blueprint Genetics
Classification: Uncertain significance. Last evaluated: 2024-06-28. Review status: criteria provided, single submitter. Criteria: ACMG Guidelines, 2015. Collection method: clinical testing. Allele origin: germline.

Genomic Medicine Center of Excellence, King Faisal Specialist Hospital and Research Centre
Classification: Uncertain significance for Severe early-childhood-onset retinal dystrophy. Last evaluated: 2024-03-25. Review status: criteria provided, single submitter. Criteria: ACMG Guidelines, 2015. Collection method: clinical testing. Allele origin: germline.

Laboratorio de Genetica e Diagnostico Molecular, Hospital Israelita Albert Einstein
Classification: Uncertain significance. Last evaluated: 2023-10-23. Review status: criteria provided, single submitter. Criteria: ACMG Guidelines, 2015. Collection method: clinical testing. Allele origin: germline. Affected: yes.
Comment: ACMG classification criteria: PP3, BS2, PM3

Revvity Omics, Revvity
Classification: Uncertain significance. Last evaluated: 2021-04-01. Review status: criteria provided, single submitter. Criteria: ACMG Guidelines, 2015. Collection method: clinical testing. Allele origin: germline.

Mendelics
Classification: Uncertain significance for Progressive familial intrahepatic cholestasis type 1. Last evaluated: 2019-05-28. Review status: criteria provided, single submitter. Criteria: Mendelics Assertion Criteria 2017. Collection method: clinical testing. Allele origin: unknown.

Illumina Laboratory Services, Illumina
Classification: Uncertain significance for Cholestasis, intrahepatic, of pregnancy, 3. Last evaluated: 2017-04-28. Review status: criteria provided, single submitter. Criteria: ICSL Variant Classification Criteria 13 December 2019. Collection method: clinical testing. Allele origin: germline.
Comment: This variant was observed as part of a predisposition screen in an ostensibly healthy population. A literature search was performed for the gene, cDNA change, and amino acid change (where applicable). Publications were found based on this search. However, the evidence from the literature, in combination with allele frequency data from public databases where available, was not sufficient to rule this variant in or out of causing disease. Therefore, this variant is classified as a variant of unknown significance.

Illumina Laboratory Services, Illumina
Classification: Uncertain significance for Progressive familial intrahepatic cholestasis type 3. Last evaluated: 2017-04-28. Review status: criteria provided, single submitter. Criteria: ICSL Variant Classification Criteria 13 December 2019. Collection method: clinical testing. Allele origin: germline.
Comment: the same text as in the submission from Illumina Laboratory Services, Illumina above.

Eurofins Ntd Llc (ga)
Classification: Benign. Last evaluated: 2015-08-24. Review status: criteria provided, single submitter. Criteria: EGL Classification Definitions 2015. Collection method: clinical testing. Allele origin: germline. Observed: 1 variant allele, 1 heterozygote.

Genomics And Bioinformatics Analysis Resource, Columbia University
Classification: Likely pathogenic for Progressive familial intrahepatic cholestasis type 3. Review status: no assertion criteria provided. Collection method: research. Allele origin: unknown. Affected: yes. Not counted in ClinVar's aggregate classification.

Literature cited by the submitters: PubMed 12891548 (cited by 8 submitters); PubMed 18482588 (cited by OLLIN Analises Genomicas, OLLIN and Labcorp Genetics (formerly Invitae), Labcorp); PubMed 23533021 (cited by 4 submitters); PubMed 26153658 (cited by 7 submitters); PubMed 31000363 (cited by 6 submitters); PubMed 26900700 (cited by 6 submitters); PubMed 26126923 (cited by Women's Health and Genetics/Laboratory Corporation of America, LabCorp and Mayo Clinic Laboratories, Mayo Clinic); PubMed 20537830 (cited by Women's Health and Genetics/Laboratory Corporation of America, LabCorp and Mayo Clinic Laboratories, Mayo Clinic); PubMed 34016879 (cited by 4 submitters); PubMed 35894240 (cited by 3 submitters); PubMed 35922258 (cited by 3 submitters); PubMed 39149201 (cited by Genomenon, Inc); PubMed 37566928 (cited by Genomenon, Inc and Mayo Clinic Laboratories, Mayo Clinic); PubMed 35626323 (cited by 3 submitters); PubMed 32893960 (cited by Genomenon, Inc); PubMed 12713886 (cited by Genomenon, Inc); PubMed 16622704 (cited by Mayo Clinic Laboratories, Mayo Clinic); PubMed 22527017 (cited by Mayo Clinic Laboratories, Mayo Clinic); PubMed 27825922 (cited by Mayo Clinic Laboratories, Mayo Clinic); PubMed 33390354 (cited by Mayo Clinic Laboratories, Mayo Clinic); PubMed 33742171 (cited by Mayo Clinic Laboratories, Mayo Clinic); PubMed 35741809 (cited by Mayo Clinic Laboratories, Mayo Clinic); PubMed 36277956 (cited by Mayo Clinic Laboratories, Mayo Clinic); PubMed 37011712 (cited by Mayo Clinic Laboratories, Mayo Clinic); PubMed 38057357 (cited by Mayo Clinic Laboratories, Mayo Clinic); PubMed 38374565 (cited by Mayo Clinic Laboratories, Mayo Clinic); PubMed 40110281 (cited by Mayo Clinic Laboratories, Mayo Clinic).